The following is an entry in ClinVar:

NM_006005.3(WFS1):c.517G>C (p.Glu173Gln)

Gene: WFS1 (wolframin ER transmembrane glycoprotein; plus strand). Cytogenetic location: 4p16.1.
Variant type: single nucleotide variant.
Coding change: c.517G>C on transcript NM_006005.3 (MANE Select); coding-DNA position 517, G replaced by C.
Protein change: p.Glu173Gln; replaces glutamic acid 173 with glutamine.
Molecular consequence: missense variant.
Genome position (GRCh38, 1-based): chr4:6,291,253, G>C. VCF-style: chr4-6291253-G-C. GRCh37 (hg19) VCF-style: chr4-6292980-G-C.
Other names: c.517G>C, p.Glu173Gln (NM_001145853.1); short protein forms E173Q.
Identifiers: ClinVar variation 2864255 (VCV002864255.3), dbSNP rs2474174214, ClinGen allele CA356171945.
Genomic context (GRCh38, chr4:6,291,253, plus strand): 5'-TCAGGCATCACGTCCGAGAACGAACGGGAGGTGAGGCAGCTCTCCTCCGAGACCGACCTG[G>C]AGAGGGCCGTGCGCAAGGCAGCCCTGGTCATGTACTGGAAGCTCAACCCCAAGAAGAAGA-3'
Protein context (NP_005996.2, residues 163-183): VRQLSSETDL[Glu173Gln]RAVRKAALVM

ClinVar aggregate classification (germline): Uncertain significance (1 of 4 stars; one submission).

Submission:

Labcorp Genetics (formerly Invitae), Labcorp
Classification: Uncertain significance. Last evaluated: 2023-05-15. Review status: criteria provided, single submitter. Criteria: Invitae Variant Classification Sherloc (09022015). Collection method: clinical testing. Allele origin: germline.
Comment: Advanced modeling of protein sequence and biophysical properties (such as structural, functional, and spatial information, amino acid conservation, physicochemical variation, residue mobility, and thermodynamic stability) performed at Invitae indicates that this missense variant is not expected to disrupt WFS1 protein function. In summary, the available evidence is currently insufficient to determine the role of this variant in disease. Therefore, it has been classified as a Variant of Uncertain Significance. This variant has not been reported in the literature in individuals affected with WFS1-related conditions. This variant is not present in population databases (gnomAD no frequency). This sequence change replaces glutamic acid, which is acidic and polar, with glutamine, which is neutral and polar, at codon 173 of the WFS1 protein (p.Glu173Gln).